The following is an entry in ClinVar:

ClinVar aggregate classification (germline): Likely benign (1 of 4 stars; one submission).

Submission:

CeGaT Center for Human Genetics Tuebingen
Classification: Likely benign. Last evaluated: 2023-02-01. Review status: criteria provided, single submitter. Criteria: CeGaT Center For Human Genetics Tuebingen Variant Classification Criteria Version 2. Collection method: clinical testing. Allele origin: germline. Affected: yes. Observed: 1 variant allele.
Comment: RBM10: PM2:Supporting, BP4, BP7

NM_005676.5(RBM10):c.1464C>A (p.Ala488=)

Gene: RBM10 (RNA binding motif protein 10; plus strand). Cytogenetic location: Xp11.3.
Variant type: single nucleotide variant.
Coding change: c.1464C>A on transcript NM_005676.5 (MANE Select); coding-DNA position 1464, C replaced by A.
Protein change: p.Ala488=; no amino-acid change (alanine 488 retained).
Molecular consequence: synonymous variant.
Genome position (GRCh38, 1-based): chrX:47,181,535, C>A. VCF-style: chrX-47181535-C-A. GRCh37 (hg19) VCF-style: chrX-47040934-C-A.
Other names: c.1233C>A, p.Ala411= (NM_001204466.2); c.1461C>A, p.Ala487= (NM_001204467.2); c.1659C>A, p.Ala553= (NM_001204468.2); c.1230C>A, p.Ala410= (NM_152856.3).
Identifiers: ClinVar variation 2660401 (VCV002660401.24), dbSNP rs373200898, ClinGen allele CA516350657.